The following is an entry in ClinVar:

ClinVar aggregate classification (germline): Uncertain significance (1 of 4 stars; one submission).

Allele frequency attached by ClinVar (database versions not stated): gnomAD exomes below 0.00001; TOPMed below 0.00001; gnomAD 0.00001.
gnomAD v4.1: 5 of 1,610,018 alleles (0.00031%); highest among the groups gnomAD compares: African/African-American, 0.0013%; no homozygotes.

Submission:

Labcorp Genetics (formerly Invitae), Labcorp
Classification: Uncertain significance. Last evaluated: 2023-06-29. Review status: criteria provided, single submitter. Criteria: Invitae Variant Classification Sherloc (09022015). Collection method: clinical testing. Allele origin: germline.
Comment: In summary, the available evidence is currently insufficient to determine the role of this variant in disease. Therefore, it has been classified as a Variant of Uncertain Significance. Advanced modeling of protein sequence and biophysical properties (such as structural, functional, and spatial information, amino acid conservation, physicochemical variation, residue mobility, and thermodynamic stability) has been performed at Invitae for this missense variant, however the output from this modeling did not meet the statistical confidence thresholds required to predict the impact of this variant on ASPM protein function. This variant has not been reported in the literature in individuals affected with ASPM-related conditions. This variant is not present in population databases (gnomAD no frequency). This sequence change replaces threonine, which is neutral and polar, with asparagine, which is neutral and polar, at codon 668 of the ASPM protein (p.Thr668Asn).

NM_018136.5(ASPM):c.2003C>A (p.Thr668Asn)

Gene: ASPM (assembly factor for spindle microtubules; minus strand). Cytogenetic location: 1q31.3.
Variant type: single nucleotide variant.
Coding change: c.2003C>A on transcript NM_018136.5 (MANE Select); coding-DNA position 2003, C replaced by A.
Protein change: p.Thr668Asn; replaces threonine 668 with asparagine.
Molecular consequence: missense variant.
Genome position (GRCh38, 1-based): chr1:197,139,790, G>T on the plus strand (C>A on the coding strand, the complement: ASPM is on the minus strand). VCF-style: chr1-197139790-G-T. GRCh37 (hg19) VCF-style: chr1-197108920-G-T.
Other names: c.2003C>A, p.Thr668Asn (NM_001206846.2); short protein forms T668N.
Identifiers: ClinVar variation 2992747 (VCV002992747.3), dbSNP rs1658528062, ClinGen allele CA344011621.
Genomic context (GRCh38, chr1:197,139,790, plus strand): 5'-CATGTTTTCAGAGAGTTTAAGTATAATAAATACTTGCCTGTTTTTAATGGTTTTATGAAG[G>T]TCAAACTGGACTGTGCCACAGCGATAATGGGTTTTGTCCTTTTGTTTGTTTTAGAAATTG-3'
Protein context (NP_060606.3, residues 658-678): PIIAVAQSSL[Thr668Asn]FIKPLKTDIP